The following is an entry in ClinVar:

NM_024420.3(PLA2G4A):c.293T>C (p.Met98Thr)

Gene: PLA2G4A (phospholipase A2 group IVA; plus strand). Cytogenetic location: 1q31.1.
Variant type: single nucleotide variant.
Coding change: c.293T>C on transcript NM_024420.3 (MANE Select); coding-DNA position 293, T replaced by C.
Protein change: p.Met98Thr; replaces methionine 98 with threonine.
Molecular consequence: missense variant.
Genome position (GRCh38, 1-based): chr1:186,894,126, T>C. VCF-style: chr1-186894126-T-C. GRCh37 (hg19) VCF-style: chr1-186863258-T-C.
Other names: c.293T>C, p.Met98Thr (NM_001311193.2); short protein forms M98T.
Identifiers: ClinVar variation 2008715 (VCV002008715.4), dbSNP rs1409176742, ClinGen allele CA344063530.

ClinVar aggregate classification (germline): Uncertain significance (1 of 4 stars; one submission).

Allele frequency attached by ClinVar (database versions not stated): gnomAD exomes below 0.00001; TOPMed below 0.00001.
gnomAD v4.1: 1 of 1,455,712 alleles (0.000069%); highest among the groups gnomAD compares: Non-Finnish European, 0.000097%; no homozygotes.

Submission:

Labcorp Genetics (formerly Invitae), Labcorp
Classification: Uncertain significance. Last evaluated: 2022-06-20. Review status: criteria provided, single submitter. Criteria: Invitae Variant Classification Sherloc (09022015). Collection method: clinical testing. Allele origin: germline.
Comment: This sequence change replaces methionine, which is neutral and non-polar, with threonine, which is neutral and polar, at codon 98 of the PLA2G4A protein (p.Met98Thr). In summary, the available evidence is currently insufficient to determine the role of this variant in disease. Therefore, it has been classified as a Variant of Uncertain Significance. Algorithms developed to predict the effect of missense changes on protein structure and function are either unavailable or do not agree on the potential impact of this missense change (SIFT: "Deleterious"; PolyPhen-2: "Benign"; Align-GVGD: "Class C25"). This variant has not been reported in the literature in individuals affected with PLA2G4A-related conditions. This variant is present in population databases (no rsID available, gnomAD 0.0009%).